The following is an entry in ClinVar:

NM_001013838.3(CARMIL2):c.1689-7C>A

Gene: CARMIL2 (capping protein regulator and myosin 1 linker 2; plus strand). Cytogenetic location: 16q22.1.
Variant type: single nucleotide variant.
Coding change: c.1689-7C>A on transcript NM_001013838.3 (MANE Select); 7 bases into the intron before coding-DNA position 1689, C replaced by A.
Molecular consequence: intron variant.
Genome position (GRCh38, 1-based): chr16:67,649,247, C>A. VCF-style: chr16-67649247-C-A. GRCh37 (hg19) VCF-style: chr16-67683150-C-A.
Other names: c.1581-7C>A (NM_001317026.3).
Identifiers: ClinVar variation 1512961 (VCV001512961.5), dbSNP rs761837872, ClinGen allele CA8113548.

ClinVar aggregate classification (germline): Uncertain significance (1 of 4 stars; one submission).

Allele frequency attached by ClinVar (database versions not stated): gnomAD 0.00002; TOPMed 0.00002; ExAC 0.00003; gnomAD exomes 0.00006.
gnomAD v4.1: 49 of 1,613,250 alleles (0.003%); highest among the groups gnomAD compares: Admixed American, 0.023%; no homozygotes.

Submission:

Labcorp Genetics (formerly Invitae), Labcorp
Classification: Uncertain significance. Last evaluated: 2022-07-07. Review status: criteria provided, single submitter. Criteria: Invitae Variant Classification Sherloc (09022015). Collection method: clinical testing. Allele origin: germline.
Comment: This sequence change falls in intron 18 of the CARMIL2 gene. It does not directly change the encoded amino acid sequence of the CARMIL2 protein. This variant is present in population databases (rs761837872, gnomAD 0.03%). This variant has not been reported in the literature in individuals affected with CARMIL2-related conditions. ClinVar contains an entry for this variant (Variation ID: 1512961). Algorithms developed to predict the effect of sequence changes on RNA splicing suggest that this variant may disrupt the consensus splice site. In summary, the available evidence is currently insufficient to determine the role of this variant in disease. Therefore, it has been classified as a Variant of Uncertain Significance.